The following is an entry in ClinVar:

NM_001134363.3(RBM20):c.3133C>T (p.Gln1045Ter)

Gene: RBM20 (RNA binding motif protein 20; plus strand). Cytogenetic location: 10q25.2.
Variant type: single nucleotide variant.
Coding change: c.3133C>T on transcript NM_001134363.3 (MANE Select); coding-DNA position 3133, C replaced by T.
Protein change: p.Gln1045Ter; replaces glutamine 1045 with a stop codon.
Molecular consequence: nonsense.
Genome position (GRCh38, 1-based): chr10:110,821,752, C>T. VCF-style: chr10-110821752-C-T. GRCh37 (hg19) VCF-style: chr10-112581510-C-T.
Other names: short protein forms Q1045*.
Identifiers: ClinVar variation 3233211 (VCV003233211.1), dbSNP rs753634207, ClinGen allele CA378381225.

ClinVar aggregate classification (germline): Uncertain significance (1 of 4 stars; one submission).

Conditions:
Cardiovascular phenotype. Identifiers: MedGen CN230736.

Submission:

Ambry Genetics
Classification: Uncertain significance for Cardiovascular phenotype. Last evaluated: 2023-12-14. Review status: criteria provided, single submitter. Criteria: Ambry Variant Classification Scheme 2023. Collection method: clinical testing. Allele origin: germline.
Comment: The p.Q1045* variant (also known as c.3133C>T), located in coding exon 11 of the RBM20 gene, results from a C to T substitution at nucleotide position 3133. This changes the amino acid from a glutamine to a stop codon within coding exon 11. This alteration is expected to result in protein truncation or nonsense-mediated mRNA decay. However, loss of function of RBM20 has not been established as a mechanism of disease. Since supporting evidence is limited at this time, the clinical significance of this alteration remains unclear.